The following is an entry in ClinVar:

ClinVar aggregate classification (germline): Uncertain significance. Review status: criteria provided, multiple submitters, no conflicts (2 of 4 stars). 2 submissions from 2 submitters: Uncertain significance (2). Last evaluated 2023-05-23.

Conditions:
Inborn genetic diseases. Identifiers: MedGen C0950123, MeSH D030342.

Allele frequency attached by ClinVar (database versions not stated): gnomAD exomes below 0.00001 and 0.00001; gnomAD 0.00001; TOPMed 0.00001.
gnomAD v4.1: 17 of 1,612,990 alleles (0.0011%); highest among the groups gnomAD compares: Non-Finnish European, 0.0014%; no homozygotes.

Submissions (2):

Labcorp Genetics (formerly Invitae), Labcorp
Classification: Uncertain significance. Last evaluated: 2023-05-23. Review status: criteria provided, single submitter. Criteria: Invitae Variant Classification Sherloc (09022015). Collection method: clinical testing. Allele origin: germline.
Comment: This sequence change replaces histidine, which is basic and polar, with proline, which is neutral and non-polar, at codon 189 of the PAFAH1B1 protein (p.His189Pro). This variant is present in population databases (no rsID available, gnomAD 0.0009%). In summary, the available evidence is currently insufficient to determine the role of this variant in disease. Therefore, it has been classified as a Variant of Uncertain Significance. An algorithm developed to predict the effect of missense changes on protein structure and function (PolyPhen-2) suggests that this variant is likely to be tolerated. ClinVar contains an entry for this variant (Variation ID: 1394083). This variant has not been reported in the literature in individuals affected with PAFAH1B1-related conditions.

Ambry Genetics
Classification: Uncertain significance for Inborn genetic diseases. Last evaluated: 2021-08-09. Review status: criteria provided, single submitter. Criteria: Ambry Variant Classification Scheme 2023. Collection method: clinical testing. Allele origin: germline.

NM_000430.4(PAFAH1B1):c.566A>C (p.His189Pro)

Gene: PAFAH1B1 (platelet activating factor acetylhydrolase 1b regulatory subunit 1; plus strand). Cytogenetic location: 17p13.3.
Variant type: single nucleotide variant.
Coding change: c.566A>C on transcript NM_000430.4 (MANE Select); coding-DNA position 566, A replaced by C.
Protein change: p.His189Pro; replaces histidine 189 with proline.
Molecular consequence: missense variant.
Genome position (GRCh38, 1-based): chr17:2,670,329, A>C. VCF-style: chr17-2670329-A-C. GRCh37 (hg19) VCF-style: chr17-2573623-A-C.
Other names: c.566A>C (NM_000430.3); short protein forms H189P.
Identifiers: ClinVar variation 1394083 (VCV001394083.9), dbSNP rs1030536153, ClinGen allele CA286906610.